The following is an entry in ClinVar:

NM_003072.5(SMARCA4):c.3342T>C (p.Asp1114=)

Gene: SMARCA4 (SWI/SNF related BAF chromatin remodeling complex subunit ATPase 4; plus strand). Cytogenetic location: 19p13.2.
Variant type: single nucleotide variant.
Coding change: c.3342T>C on transcript NM_003072.5 (MANE Select); coding-DNA position 3342, T replaced by C.
Protein change: p.Asp1114=; no amino-acid change (aspartic acid 1114 retained).
Molecular consequence: synonymous variant. On other transcripts: non-coding transcript variant (1).
Genome position (GRCh38, 1-based): chr19:11,027,910, T>C. VCF-style: chr19-11027910-T-C. GRCh37 (hg19) VCF-style: chr19-11138586-T-C.
Other names: c.3342T>C, p.Asp1114= (NM_001128844.3, NM_001128845.2, NM_001128846.2 and 5 more transcripts).
Identifiers: ClinVar variation 537897 (VCV000537897.14), dbSNP rs780550070, ClinGen allele CA9204386.

ClinVar aggregate classification (germline): Benign/Likely benign. Review status: criteria provided, multiple submitters, no conflicts (2 of 4 stars). 3 submissions from 3 submitters: Benign (1); Likely benign (2). Last evaluated 2026-07-14.

Conditions:
Rhabdoid tumor predisposition syndrome 2 (RTPS2). Identifiers: Orphanet 231108, Orphanet 69077, MedGen C2750074, MONDO:0013224, OMIM 613325.
Hereditary cancer-predisposing syndrome. Also called: Tumor predisposition; Neoplastic Syndromes, Hereditary; Hereditary Cancer Syndrome; Hereditary neoplastic syndrome. Identifiers: Orphanet 140162, MedGen C0027672, MeSH D009386, MONDO:0015356.

Allele frequency attached by ClinVar (database versions not stated): ExAC 0.00002; gnomAD exomes 0.00001.
gnomAD v4.1: 14 of 1,614,178 alleles (0.00087%); highest among the groups gnomAD compares: Non-Finnish European, 0.0012%; no homozygotes.

Submissions (3):

Myriad Genetics, Inc.
Classification: Benign for Rhabdoid tumor predisposition syndrome 2. Last evaluated: 2026-07-14. Review status: criteria provided, single submitter. Criteria: Myriad Autosomal Dominant, Autosomal Recessive and X-Linked Classification Criteria (2023). Collection method: clinical testing. Allele origin: unknown.
Comment: This variant is considered benign. This variant is a silent/synonymous amino acid change and it is not expected to impact splicing.

Labcorp Genetics (formerly Invitae), Labcorp
Classification: Likely benign for Rhabdoid tumor predisposition syndrome 2. Last evaluated: 2025-09-09. Review status: criteria provided, single submitter. Criteria: Invitae Variant Classification Sherloc (09022015). Collection method: clinical testing. Allele origin: germline.

Ambry Genetics
Classification: Likely benign for Hereditary cancer-predisposing syndrome. Last evaluated: 2019-03-30. Review status: criteria provided, single submitter. Criteria: Ambry Variant Classification Scheme 2023. Collection method: clinical testing. Allele origin: germline.